The following is an entry in ClinVar:

NM_006922.4(SCN3A):c.5998A>G (p.Lys2000Glu)

Gene: SCN3A (sodium voltage-gated channel alpha subunit 3; minus strand). Cytogenetic location: 2q24.3.
Variant type: single nucleotide variant.
Coding change: c.5998A>G on transcript NM_006922.4 (MANE Select); coding-DNA position 5998, A replaced by G.
Protein change: p.Lys2000Glu; replaces lysine 2000 with glutamic acid.
Molecular consequence: missense variant.
Genome position (GRCh38, 1-based): chr2:165,090,155, T>C on the plus strand (A>G on the coding strand, the complement: SCN3A is on the minus strand). VCF-style: chr2-165090155-T-C. GRCh37 (hg19) VCF-style: chr2-165946665-T-C.
Other names: c.5851A>G, p.Lys1951Glu (NM_001081676.2, NM_001081677.2); short protein forms K1951E, K2000E.
Identifiers: ClinVar variation 665545 (VCV000665545.10), dbSNP rs1040498167, ClinGen allele CA59707916.

ClinVar aggregate classification (germline): Uncertain significance (1 of 4 stars; one submission).

Allele frequency attached by ClinVar (database versions not stated): gnomAD exomes below 0.00001 and 0.00001; TOPMed 0.00003.
gnomAD v4.1: 5 of 1,577,430 alleles (0.00032%); highest among the groups gnomAD compares: Non-Finnish European, 0.00035%; no homozygotes.

Submission:

Labcorp Genetics (formerly Invitae), Labcorp
Classification: Uncertain significance. Last evaluated: 2025-03-20. Review status: criteria provided, single submitter. Criteria: Invitae Variant Classification Sherloc (09022015). Collection method: clinical testing. Allele origin: germline.
Comment: This sequence change replaces lysine, which is basic and polar, with glutamic acid, which is acidic and polar, at codon 2000 of the SCN3A protein (p.Lys2000Glu). This variant is present in population databases (no rsID available, gnomAD 0.001%). This variant has not been reported in the literature in individuals affected with SCN3A-related conditions. ClinVar contains an entry for this variant (Variation ID: 665545). Invitae Evidence Modeling of protein sequence and biophysical properties (such as structural, functional, and spatial information, amino acid conservation, physicochemical variation, residue mobility, and thermodynamic stability) indicates that this missense variant is not expected to disrupt SCN3A protein function with a negative predictive value of 95%. In summary, the available evidence is currently insufficient to determine the role of this variant in disease. Therefore, it has been classified as a Variant of Uncertain Significance.